The following is an entry in ClinVar:

NM_001013838.3(CARMIL2):c.3019A>G (p.Met1007Val)

Gene: CARMIL2 (capping protein regulator and myosin 1 linker 2; plus strand). Cytogenetic location: 16q22.1.
Variant type: single nucleotide variant.
Coding change: c.3019A>G on transcript NM_001013838.3 (MANE Select); coding-DNA position 3019, A replaced by G.
Protein change: p.Met1007Val; replaces methionine 1007 with valine.
Molecular consequence: missense variant.
Genome position (GRCh38, 1-based): chr16:67,653,153, A>G. VCF-style: chr16-67653153-A-G. GRCh37 (hg19) VCF-style: chr16-67687056-A-G.
Other names: c.2911A>G, p.Met971Val (NM_001317026.3); short protein forms M1007V, M971V.
Identifiers: ClinVar variation 3620056 (VCV003620056.2).

ClinVar aggregate classification (germline): Uncertain significance (1 of 4 stars; one submission).

Submission:

Labcorp Genetics (formerly Invitae), Labcorp
Classification: Uncertain significance. Last evaluated: 2025-01-10. Review status: criteria provided, single submitter. Criteria: Invitae Variant Classification Sherloc (09022015). Collection method: clinical testing. Allele origin: germline.
Comment: This sequence change replaces methionine, which is neutral and non-polar, with valine, which is neutral and non-polar, at codon 1007 of the CARMIL2 protein (p.Met1007Val). The frequency data for this variant in the population databases is considered unreliable, as metrics indicate insufficient coverage at this position in the gnomAD database. This variant has not been reported in the literature in individuals affected with CARMIL2-related conditions. Invitae Evidence Modeling of protein sequence and biophysical properties (such as structural, functional, and spatial information, amino acid conservation, physicochemical variation, residue mobility, and thermodynamic stability) indicates that this missense variant is not expected to disrupt CARMIL2 protein function with a negative predictive value of 80%. In summary, the available evidence is currently insufficient to determine the role of this variant in disease. Therefore, it has been classified as a Variant of Uncertain Significance.